The following is an entry in ClinVar:

ClinVar aggregate classification (germline): Uncertain significance (1 of 4 stars; one submission).

Conditions:
Autism, susceptibility to, X-linked 2 (AUTSX2). Also called: Autism susceptibility, X-linked 2. Identifiers: MedGen C1845539, MONDO:0010341, OMIM 300495.

Submission:

Victorian Clinical Genetics Services, Murdoch Childrens Research Institute
Classification: Uncertain significance for Autism, susceptibility to, X-linked 2. Last evaluated: 2023-12-21. Review status: criteria provided, single submitter. Criteria: ACMG Guidelines, 2015. Collection method: clinical testing. Allele origin: germline. Inheritance: X-linked inheritance. Affected: yes.
Comment: Based on the classification scheme VCGS_Germline_v1.3.4, this variant is classified as VUS-3B. Following criteria are met: 0102 - Loss of function is a known mechanism of disease in this gene and is associated with X-linked intellectual developmental disorder (MIM#300495). (I) 0109 - This gene is associated with X-linked disease. Affected males and females have been reported (OMIM). (I) 0112 - The condition associated with this gene has incomplete penetrance. Unaffected males have been reported (PMID: 15622415). (I) 0200 - Variant is predicted to result in a missense amino acid change from tyrosine to histidine. (I) 0253 - This variant is hemizygous. (I) 0301 - Variant is absent from gnomAD (both v2 and v3). (SP) 0309 - An alternative amino acid change at the same position has been observed in gnomAD (v3: 0 heterozygotes, 0 homozygotes, 1 hemizygote). (I) 0502 - Missense variant with conflicting in silico predictions and high conservation. (I) 0600 - Variant is located in the annotated COesterasedomain (DECIPHER). (I) 0705 - No comparable missense variants have previous evidence for pathogenicity. (I) 0807 - This variant has no previous evidence of pathogenicity. (I) 0905 - No published segregation evidence has been identified for this variant. (I) 1007 - No published functional evidence has been identified for this variant. (I) Legend: (SP) - Supporting pathogenic, (I) - Information, (SB) - Supporting benign

Literature cited by the submitters: PubMed 15622415.

NM_181332.3(NLGN4X):c.1387T>C (p.Tyr463His)

Gene: NLGN4X (neuroligin 4 X-linked; minus strand). Cytogenetic location: Xp22.32.
Variant type: single nucleotide variant.
Coding change: c.1387T>C on transcript NM_181332.3 (MANE Select); coding-DNA position 1387, T replaced by C.
Protein change: p.Tyr463His; replaces tyrosine 463 with histidine.
Molecular consequence: missense variant.
Genome position (GRCh38, 1-based): chrX:5,903,291, A>G on the plus strand (T>C on the coding strand, the complement: NLGN4X is on the minus strand). VCF-style: chrX-5903291-A-G. GRCh37 (hg19) VCF-style: chrX-5821332-A-G.
Other names: c.1387T>C, p.Tyr463His (NM_001282145.2, NM_001282146.2, NM_020742.4); short protein forms Y463H.
Identifiers: ClinVar variation 3255022 (VCV003255022.2), dbSNP rs2518445136.